The following is an entry in ClinVar:

NM_005612.5(REST):c.1838T>A (p.Met613Lys)

Gene: REST (RE1 silencing transcription factor; plus strand). Cytogenetic location: 4q12.
Variant type: single nucleotide variant.
Coding change: c.1838T>A on transcript NM_005612.5 (MANE Select); coding-DNA position 1838, T replaced by A.
Protein change: p.Met613Lys; replaces methionine 613 with lysine.
Molecular consequence: missense variant.
Genome position (GRCh38, 1-based): chr4:56,930,696, T>A. VCF-style: chr4-56930696-T-A. GRCh37 (hg19) VCF-style: chr4-57796862-T-A.
Other names: c.1838T>A, p.Met613Lys (NM_001193508.2, NM_001363453.3); c.1754T>A, p.Met585Lys (NM_001440532.1, NM_001440533.1); short protein forms M585K, M613K.
Identifiers: ClinVar variation 4693445 (VCV004693445.1).

ClinVar aggregate classification (germline): Uncertain significance (1 of 4 stars; one submission).

gnomAD v4.1: 6 of 1,611,308 alleles (0.00037%); highest among the groups gnomAD compares: Admixed American, 0.01%; no homozygotes.

Submission:

Labcorp Genetics (formerly Invitae), Labcorp
Classification: Uncertain significance. Last evaluated: 2025-05-04. Review status: criteria provided, single submitter. Criteria: Invitae Variant Classification Sherloc (09022015). Collection method: clinical testing. Allele origin: germline.
Comment: This sequence change replaces methionine, which is neutral and non-polar, with lysine, which is basic and polar, at codon 613 of the REST protein (p.Met613Lys). This variant is present in population databases (rs771450067, gnomAD 0.009%). This variant has not been reported in the literature in individuals affected with REST-related conditions. An algorithm developed to predict the effect of missense changes on protein structure and function outputs the following: PolyPhen-2: "Benign". The lysine amino acid residue is found in multiple mammalian species, which suggests that this missense change does not adversely affect protein function. In summary, the available evidence is currently insufficient to determine the role of this variant in disease. Therefore, it has been classified as a Variant of Uncertain Significance.